The following is an entry in ClinVar:

NM_000302.4(PLOD1):c.1550A>C (p.His517Pro)

Gene: PLOD1 (procollagen-lysine,2-oxoglutarate 5-dioxygenase 1; plus strand). Cytogenetic location: 1p36.22.
Variant type: single nucleotide variant.
Coding change: c.1550A>C on transcript NM_000302.4 (MANE Select); coding-DNA position 1550, A replaced by C.
Protein change: p.His517Pro; replaces histidine 517 with proline.
Molecular consequence: missense variant.
Genome position (GRCh38, 1-based): chr1:11,965,559, A>C. VCF-style: chr1-11965559-A-C. GRCh37 (hg19) VCF-style: chr1-12025616-A-C.
Other names: c.1550A>C (NM_000302.3); c.1691A>C, p.His564Pro (NM_001316320.2); short protein forms H517P, H564P.
Identifiers: ClinVar variation 2149133 (VCV002149133.2), dbSNP rs759113604, ClinGen allele CA598438.

ClinVar aggregate classification (germline): Uncertain significance. Review status: criteria provided, multiple submitters, no conflicts (2 of 4 stars). 2 submissions from 2 submitters: Uncertain significance (2). Last evaluated 2025-03-23.

Conditions:
Familial thoracic aortic aneurysm and aortic dissection (TAAD). Also called: Thoracic aortic aneurysms and dissections. Identifiers: Orphanet 91387, MedGen C4707243, MONDO:0019625.
Ehlers-Danlos syndrome, kyphoscoliotic type 1 (EDSKSCL1). Also called: Ehlers-Danlos syndrome, hydroxylysine-deficient; EHLERS-DANLOS SYNDROME, TYPE VIA; EHLERS-DANLOS SYNDROME, OCULAR-SCOLIOTIC TYPE; PLOD1-Related Kyphoscoliotic Ehlers-Danlos Syndrome. Identifiers: Orphanet 1900, MedGen C0268342, MONDO:0016002, OMIM 225400. Disease mechanism: loss of function.

Allele frequency attached by ClinVar (database versions not stated): TOPMed 0.00001.
gnomAD v4.1: 2 of 1,613,564 alleles (0.00012%); highest among the groups gnomAD compares: Non-Finnish European, 0.00017%; no homozygotes.

Submissions (2):

Ambry Genetics
Classification: Uncertain significance for Familial thoracic aortic aneurysm and aortic dissection. Last evaluated: 2025-03-23. Review status: criteria provided, single submitter. Criteria: Ambry Variant Classification Scheme 2023. Collection method: clinical testing. Allele origin: germline.
Comment: The p.H517P variant (also known as c.1550A>C), located in coding exon 14 of the PLOD1 gene, results from an A to C substitution at nucleotide position 1550. The histidine at codon 517 is replaced by proline, an amino acid with similar properties. This amino acid position is conserved. In addition, this alteration is predicted to be deleterious by in silico analysis. Based on the available evidence, the clinical significance of this variant remains unclear.

Labcorp Genetics (formerly Invitae), Labcorp
Classification: Uncertain significance for Ehlers-Danlos syndrome, kyphoscoliotic type 1. Last evaluated: 2022-06-14. Review status: criteria provided, single submitter. Criteria: Invitae Variant Classification Sherloc (09022015). Collection method: clinical testing. Allele origin: germline.
Comment: This sequence change replaces histidine, which is basic and polar, with proline, which is neutral and non-polar, at codon 517 of the PLOD1 protein (p.His517Pro). This variant is present in population databases (rs759113604, gnomAD 0.0009%). This variant has not been reported in the literature in individuals affected with PLOD1-related conditions. Algorithms developed to predict the effect of missense changes on protein structure and function (SIFT, PolyPhen-2, Align-GVGD) all suggest that this variant is likely to be disruptive. In summary, the available evidence is currently insufficient to determine the role of this variant in disease. Therefore, it has been classified as a Variant of Uncertain Significance.